The following is an entry in ClinVar:

ClinVar aggregate classification (germline): Uncertain significance. Review status: criteria provided, multiple submitters, no conflicts (2 of 4 stars). 2 submissions from 2 submitters: Uncertain significance (2). Last evaluated 2025-12-02.

Conditions:
Alkuraya-Kucinskas syndrome. Identifiers: Orphanet 610569, MedGen C4693347, MONDO:0060631, OMIM 617822.

Allele frequency attached by ClinVar (database versions not stated): TOPMed below 0.00001; gnomAD exomes 0.00001.
gnomAD v4.1: 10 of 1,608,340 alleles (0.00062%); highest among the groups gnomAD compares: Non-Finnish European, 0.00085%; no homozygotes.

Submissions (2):

Ambry Genetics
Classification: Uncertain significance. Last evaluated: 2025-12-02. Review status: criteria provided, single submitter. Criteria: Ambry Variant Classification Scheme 2023. Collection method: clinical testing. Allele origin: germline.

UNC Molecular Genetics  Laboratory, University of North Carolina at Chapel Hill
Classification: Uncertain significance for Alkuraya-Kucinskas syndrome. Last evaluated: 2021-02-01. Review status: criteria provided, single submitter. Criteria: ACMG Guidelines, 2015. Collection method: research. Allele origin: germline. Observed: 1 variant allele. Study: CSER_NCGENES.
Comment: The KIAA1109 c.10793G>A (p.Arg3598Gln) is a missense variant that changes a single amino acid in the encoded protein from arginine to glutamine. This is a very rare variant present in unselected individuals in the general population with a global minor allele frequency of 0.000823% (2/242,948 alleles, 0 homozygotes). To our knowledge, this variant has not been previously reported in affected individuals in the literature. The resulting amino acid change has conflicting predictions of pathogenicity by in silico tools and its effect on protein function is unknown. Without additional clinical or functional evidence, this variant is considered a variant of uncertain significance.

NM_001384125.1(BLTP1):c.10994G>A (p.Arg3665Gln)

Gene: BLTP1 (bridge-like lipid transfer protein family member 1; plus strand). Cytogenetic location: 4q27.
Variant type: single nucleotide variant.
Coding change: c.10994G>A on transcript NM_001384125.1 (MANE Select); coding-DNA position 10994, G replaced by A.
Protein change: p.Arg3665Gln; replaces arginine 3665 with glutamine.
Molecular consequence: missense variant.
Genome position (GRCh38, 1-based): chr4:122,318,269, G>A. VCF-style: chr4-122318269-G-A. GRCh37 (hg19) VCF-style: chr4-123239424-G-A.
Other names: c.10793G>A, p.Arg3598Gln (NM_015312.4); short protein forms R3598Q, R3665Q.
Identifiers: ClinVar variation 1064576 (VCV001064576.2), dbSNP rs1241429875, ClinGen allele CA358069123.